The following is an entry in ClinVar:

ClinVar aggregate classification (germline): Pathogenic (1 of 4 stars; one submission).

Conditions:
Spondylocostal dysostosis 5 (SCDO5). Also called: SCOLIOSIS, CONGENITAL, WITH OR WITHOUT RIB ANOMALIES. Identifiers: MedGen C4083048, MONDO:0007389, OMIM 122600.

gnomAD v4.1: 2 of 1,605,012 alleles (0.00012%); highest among the groups gnomAD compares: Non-Finnish European, 0.00017%; no homozygotes.

Submission:

Juno Genomics, Hangzhou Juno Genomics, Inc
Classification: Pathogenic for Spondylocostal dysostosis 5. Review status: criteria provided, single submitter. Criteria: ACMG Guidelines, 2015. Collection method: clinical testing. Allele origin: germline.
Comment: Absent from controls (or at extremely low frequency if recessive) in Genome Aggregation Database.;Null variant in a gene where loss of function (LOF) is a known mechanism of disease.;For recessive disorders, detected in trans with a pathogenic variant.

NM_004608.4(TBX6):c.621+1G>A

Gene: TBX6 (T-box transcription factor 6; minus strand). Cytogenetic location: 16p11.2.
Variant type: single nucleotide variant.
Coding change: c.621+1G>A on transcript NM_004608.4 (MANE Select); the canonical splice donor site of the intron after coding-DNA position 621, G replaced by A.
Molecular consequence: splice donor variant.
Genome position (GRCh38, 1-based): chr16:30,088,942, C>T on the plus strand (G>A on the coding strand, the complement: TBX6 is on the minus strand). VCF-style: chr16-30088942-C-T. GRCh37 (hg19) VCF-style: chr16-30100263-C-T.
Identifiers: ClinVar variation 5019839 (VCV005019839.2).